The following is an entry in ClinVar:

NM_004364.5(CEBPA):c.364G>A (p.Gly122Arg)

Gene: CEBPA (CCAAT enhancer binding protein alpha; minus strand). Cytogenetic location: 19q13.11.
Variant type: single nucleotide variant.
Coding change: c.364G>A on transcript NM_004364.5 (MANE Select); coding-DNA position 364, G replaced by A.
Protein change: p.Gly122Arg; replaces glycine 122 with arginine.
Molecular consequence: missense variant.
Genome position (GRCh38, 1-based): chr19:33,302,051, C>T on the plus strand (G>A on the coding strand, the complement: CEBPA is on the minus strand). VCF-style: chr19-33302051-C-T. GRCh37 (hg19) VCF-style: chr19-33792957-C-T.
Other names: c.7G>A, p.Gly3Arg (NM_001285829.2); c.469G>A, p.Gly157Arg (NM_001287424.2); c.322G>A, p.Gly108Arg (NM_001287435.2); c.364G>A (NM_004364.3); short protein forms G108R, G122R, G157R, G3R.
Identifiers: ClinVar variation 1023171 (VCV001023171.8), dbSNP rs1013724730, ClinGen allele CA405275106.
Genomic context (GRCh38, chr19:33,302,051, plus strand): 5'-TGCCGTCCAGGTAGCCGGCGGCCGCGCAGCCGTAGCCGGGCGGGGGCCCGTGCGCTCCCC[C>T]GGGCATGACGGCGCCGCCGGGGCCCGCGGGCGCGCCCGGGTAGTCAAAGTCGCCGCCGCC-3'
Protein context (NP_004355.2, residues 112-132): PAGPGGAVMP[Gly122Arg]GAHGPPPGYG

ClinVar aggregate classification (germline): Conflicting classifications of pathogenicity. Review status: criteria provided, conflicting classifications (1 of 4 stars). 2 submissions from 2 submitters: Uncertain significance (1); Likely benign (1). Last evaluated 2025-09-05.

Conditions:
Inborn genetic diseases. Identifiers: MedGen C0950123, MeSH D030342.
Acute myeloid leukemia (AML). Also called: Acute myeloid leukemia, adult; AML adult; Acute non-lymphocytic leukemia; Acute granulocytic leukemia; Leukemia, acute myelogenous, somatic; Leukemia, acute myeloid, somatic. Identifiers: Orphanet 519, MedGen C0023467, MeSH D015470, MONDO:0018874, OMIM 601626, HP:0004808. Disease mechanism: Constitutively activated FLT3.

Submissions (2):

Ambry Genetics
Classification: Likely benign for Inborn genetic diseases. Last evaluated: 2025-09-05. Review status: criteria provided, single submitter. Criteria: Ambry Variant Classification Scheme 2023. Collection method: clinical testing. Allele origin: germline.

Labcorp Genetics (formerly Invitae), Labcorp
Classification: Uncertain significance for Acute myeloid leukemia. Last evaluated: 2024-09-27. Review status: criteria provided, single submitter. Criteria: Invitae Variant Classification Sherloc (09022015). Collection method: clinical testing. Allele origin: germline.
Comment: This sequence change replaces glycine, which is neutral and non-polar, with arginine, which is basic and polar, at codon 122 of the CEBPA protein (p.Gly122Arg). The frequency data for this variant in the population databases is considered unreliable, as metrics indicate insufficient coverage at this position in the gnomAD database. This variant has not been reported in the literature in individuals affected with CEBPA-related conditions. ClinVar contains an entry for this variant (Variation ID: 1023171). Invitae Evidence Modeling of protein sequence and biophysical properties (such as structural, functional, and spatial information, amino acid conservation, physicochemical variation, residue mobility, and thermodynamic stability) indicates that this missense variant is not expected to disrupt CEBPA protein function with a negative predictive value of 80%. In summary, the available evidence is currently insufficient to determine the role of this variant in disease. Therefore, it has been classified as a Variant of Uncertain Significance.